The following is an entry in ClinVar:

NM_001042492.3(NF1):c.7741A>G (p.Thr2581Ala)

Gene: NF1 (neurofibromin 1; plus strand). Cytogenetic location: 17q11.2.
Variant type: single nucleotide variant.
Coding change: c.7741A>G on transcript NM_001042492.3 (MANE Select); coding-DNA position 7741, A replaced by G.
Protein change: p.Thr2581Ala; replaces threonine 2581 with alanine.
Molecular consequence: missense variant.
Genome position (GRCh38, 1-based): chr17:31,356,962, A>G. VCF-style: chr17-31356962-A-G. GRCh37 (hg19) VCF-style: chr17-29683980-A-G.
Other names: c.7678A>G, p.Thr2560Ala (NM_000267.4); short protein forms T2581A, T2560A.
Identifiers: ClinVar variation 2120834 (VCV002120834.4), dbSNP rs1597866308, ClinGen allele CA399018314.
Genomic context (GRCh38, chr17:31,356,962, plus strand): 5'-AGTTAGGTGAAGTGATTATCCAGGTGTTTGATCACGTTAATTCCCTATCTTGCTGCAGAA[A>G]CTCAGAGGATTTCCTCATCACAACAGCACCCACATTTACGTAAAGTTTCAGTGTCTGAAT-3'
Protein context (NP_001035957.1, residues 2571-2591): RVAETDYEME[Thr2581Ala]QRISSSQQHP

ClinVar aggregate classification (germline): Uncertain significance (1 of 4 stars; one submission).

Conditions:
Neurofibromatosis, type 1 (NF1). Also called: NEUROFIBROMATOSIS, TYPE I, SOMATIC; Neurofibromatosis, type I; Peripheral type neurofibromatosis; VON RECKLINGHAUSEN DISEASE. Identifiers: Orphanet 636, MedGen C0027831, MONDO:0018975, OMIM 162200. Disease mechanism: loss of function.

Submission:

Labcorp Genetics (formerly Invitae), Labcorp
Classification: Uncertain significance for Neurofibromatosis, type 1. Last evaluated: 2022-04-02. Review status: criteria provided, single submitter. Criteria: Invitae Variant Classification Sherloc (09022015). Collection method: clinical testing. Allele origin: germline.
Comment: Algorithms developed to predict the effect of missense changes on protein structure and function are either unavailable or do not agree on the potential impact of this missense change (SIFT: "Deleterious"; PolyPhen-2: "Probably Damaging"; Align-GVGD: "Class C0"). Algorithms developed to predict the effect of sequence changes on RNA splicing suggest that this variant may create or strengthen a splice site. In summary, the available evidence is currently insufficient to determine the role of this variant in disease. Therefore, it has been classified as a Variant of Uncertain Significance. This sequence change replaces threonine, which is neutral and polar, with alanine, which is neutral and non-polar, at codon 2560 of the NF1 protein (p.Thr2560Ala). This variant is not present in population databases (gnomAD no frequency). This variant has not been reported in the literature in individuals affected with NF1-related conditions.